The following is an entry in ClinVar:

ClinVar aggregate classification (germline): Uncertain significance. Review status: criteria provided, multiple submitters, no conflicts (2 of 4 stars). 3 submissions from 3 submitters: Uncertain significance (3). Last evaluated 2024-11-17.

Conditions:
Multiple congenital anomalies-hypotonia-seizures syndrome 1 (MCAHS1). Also called: Congenital disorder of glycosylation due to PIGN deficiency; PIGN-CDG; GLYCOSYLPHOSPHATIDYLINOSITOL BIOSYNTHESIS DEFECT 3. Identifiers: Orphanet 280633, MedGen C3279775, MONDO:0013563, OMIM 614080.

gnomAD v4.1: 7 of 1,540,478 alleles (0.00045%); highest among the groups gnomAD compares: Non-Finnish European, 0.00062%; no homozygotes.

Submissions (3):

Blueprint Genetics
Classification: Uncertain significance. Last evaluated: 2024-11-17. Review status: criteria provided, single submitter. Criteria: ACMG Guidelines, 2015. Collection method: clinical testing. Allele origin: germline.

Institute of Medical Genetics and Applied Genomics, University Hospital Tübingen
Classification: Uncertain significance for Multiple congenital anomalies-hypotonia-seizures syndrome 1. Last evaluated: 2022-12-07. Review status: criteria provided, single submitter. Criteria: ACMG Guidelines, 2015. Collection method: clinical testing. Allele origin: germline. Inheritance: Autosomal recessive inheritance. Affected: yes.

Labcorp Genetics (formerly Invitae), Labcorp
Classification: Uncertain significance for Multiple congenital anomalies-hypotonia-seizures syndrome 1. Last evaluated: 2022-09-01. Review status: criteria provided, single submitter. Criteria: Invitae Variant Classification Sherloc (09022015). Collection method: clinical testing. Allele origin: germline.
Comment: This sequence change replaces proline, which is neutral and non-polar, with leucine, which is neutral and non-polar, at codon 335 of the PIGN protein (p.Pro335Leu). This variant is not present in population databases (gnomAD no frequency). This variant has not been reported in the literature in individuals affected with PIGN-related conditions. ClinVar contains an entry for this variant (Variation ID: 472204). Algorithms developed to predict the effect of missense changes on protein structure and function are either unavailable or do not agree on the potential impact of this missense change (SIFT: "Deleterious"; PolyPhen-2: "Probably Damaging"; Align-GVGD: "Class C0"). In summary, the available evidence is currently insufficient to determine the role of this variant in disease. Therefore, it has been classified as a Variant of Uncertain Significance.

NM_176787.5(PIGN):c.1004C>T (p.Pro335Leu)

Gene: PIGN (phosphatidylinositol glycan anchor biosynthesis class N; minus strand). Cytogenetic location: 18q21.33.
Variant type: single nucleotide variant.
Coding change: c.1004C>T on transcript NM_176787.5 (MANE Select); coding-DNA position 1004, C replaced by T.
Protein change: p.Pro335Leu; replaces proline 335 with leucine.
Molecular consequence: missense variant.
Genome position (GRCh38, 1-based): chr18:62,140,439, G>A on the plus strand (C>T on the coding strand, the complement: PIGN is on the minus strand). VCF-style: chr18-62140439-G-A. GRCh37 (hg19) VCF-style: chr18-59807672-G-A.
Other names: c.1004C>T, p.Pro335Leu (NM_012327.6); short protein forms P335L.
Identifiers: ClinVar variation 472204 (VCV000472204.10), dbSNP rs753868318, ClinGen allele CA301731995.
Genomic context (GRCh38, chr18:62,140,439, plus strand): 5'-TTTTTTATACTGAGAGTTGATAATAAAATTTTATTCCTTACCACTGAGTTAAGAGGAAAG[G>A]GAACTCCAATAAGGGAAGTCATCAATGGTGCAATATCAGCCTACAAATAAAAAAGCTCAA-3'
Protein context (NP_789744.1, residues 325-345): APLMTSLIGV[Pro335Leu]FPLNSVGILP